The following is an entry in ClinVar:

ClinVar aggregate classification (germline): Pathogenic. Review status: reviewed by expert panel (3 of 4 stars). 19 submissions from 19 submitters: Pathogenic (1). 18 of the submissions do not count toward it. Last evaluated 2019-05-10.
ClinVar aggregate classification (somatic clinical impact): Tier II - Potential (1 of 4 stars; one submission).

Conditions:
SOS1-related disorder. Also called: SOS1-related condition.
RASopathy. Also called: rasopathies; Noonan spectrum disorder. Identifiers: Orphanet 536391, MedGen C5555857, MONDO:0021060.
Noonan syndrome (NS). Also called: Noonan's syndrome. Identifiers: Orphanet 648, MedGen C0028326, MeSH D009634, MONDO:0018997. Disease mechanism: gain of function.
Fibromatosis, gingival, 1 (GINGF1). Identifiers: Orphanet 2024, MedGen C4551558, MONDO:0007609, OMIM 135300.
Noonan syndrome 4 (NS4). Also called: NOONAN SYNDROME WITH PIGMENTED VILLONODULAR SYNOVITIS; SOS1-Related Noonan Syndrome. Identifiers: Orphanet 648, MedGen C1853120, MONDO:0012547, OMIM 610733.
Noonan syndrome 3 (NS3). Also called: KRAS-Related Noonan Syndrome. Identifiers: Orphanet 648, MedGen C1860991, MONDO:0012371, OMIM 609942.
Noonan syndrome 1 (NS1). Also called: FEMALE PSEUDO-TURNER SYNDROME; TURNER PHENOTYPE WITH NORMAL KARYOTYPE; PTPN11-Related Noonan Syndrome. Identifiers: Orphanet 648, MedGen C4551602, MONDO:0008104, OMIM 163950. Disease mechanism: gain of function.
Embryonal rhabdomyosarcoma (ERMS). Also called: Botryoid rhabdomyosarcoma (type of ERMS); Spindle cell rhabdomyosarcomas (type of ERMS). Identifiers: Orphanet 99757, MedGen C0206656, MONDO:0009993, HP:0006743.

gnomAD v4.1: 1 of 1,613,738 alleles (0.000062%); highest among the groups gnomAD compares: Non-Finnish European, 0.000085%; no homozygotes.

Submissions 1 to 7 of 20:

ClinGen RASopathy Variant Curation Expert Panel
Classification: Pathogenic for Noonan syndrome. Last evaluated: 2019-05-10. Review status: reviewed by expert panel. Criteria: ClinGen RASopathy ACMG Specifications v1. Collection method: curation. Allele origin: germline. Inheritance: Autosomal dominant inheritance.
Comment: The c.1655G>A (p.Arg552Lys) variant in SOS1 has been reported as a confirmed de novo occurrence in at least 2 patients with clinical features of a RASopathy (PS2_VeryStrong; PMID 17586837, 17143282, 30266093, 26686981). This variant has been detected in at least 7 independent occurrences with clinical features of a RASopathy (PS4; PMIDs: 17586837, 22420426, 28378436, 29037749, 25337068, 21387466, 21784453, 26918529, 21274610). In vitro functional studies provide some evidence that the p.Arg552Lys variant may impact protein function (PS3; PMID: 21784453). This residue has been defined as a PM1 hotspot by the RAS VCEP. These variants would have received PM5_Strong but the RAS EP decided that PM1 and PM5 cannot be used simultaneously and therefore this rule has been upgraded with expert judgement (PM1_Strong). This variant was absent from large population studies (PM2; gnomAD). Computational prediction tools and conservation analysis suggest that the p.Arg552Lys variant may impact the protein (PP3). The variant is located in the SOS1 gene, which has been defined by the ClinGen RASopathy Expert Panel as a gene with a low rate of benign missense variants and pathogenic missense variants are common (PP2; PMID: 29493581). In summary, this variant meets criteria to be classified as pathogenic for RASopathies in an autosomal dominant manner. Rasopathy-specific ACMG/AMP criteria applied (PMID:29493581): PS2_VeryStrong, PS4, PS3, PM1_Strong, PM2, PP2, PP3.

3billion
Classification: Pathogenic for Noonan syndrome 4. Last evaluated: 2025-11-13. Review status: criteria provided, single submitter. Criteria: ACMG Guidelines, 2015. Collection method: clinical testing. Allele origin: germline. Affected: yes. Not counted in ClinVar's aggregate classification.
Comment: The variant is observed at an extremely low frequency in the gnomAD v4.1.0 dataset (total allele frequency: <0.001%). Predicted Consequence/Location: The variant is located in a mutational hot spot and/or well-established functional domain in which established pathogenic variants have been reported (PMID: 29493581). Missense variant. Missense changes are a common disease-causing mechanism. Functional studies provide strong evidence of the variant having a damaging effect on the gene or gene product (PMID: 21784453). In silico tool predictions suggest damaging effect of the variant on gene or gene product [REVEL: 0.84 (>=0.6, sensitivity 0.68 and specificity 0.92); 3Cnet: 0.99 (> 0.75, sensitivity 0.96 and precision 0.92)]. The same nucleotide change resulting in the same amino acid change has been previously reported as pathogenic/likely pathogenic with strong evidence (ClinVar ID: VCV000040683 /PMID: 17143282 /3billion dataset). The variant has been previously reported as de novo in at least two similarly affected unrelated individuals (PMID: 17143282, 17586837, 26686981, 30266093). The variant has been observed in multiple (>3) similarly affected unrelated individuals (PMID: 17586837, 21274610, 21387466, 21784453, 22420426, 25337068, 26918529, 28378436, 29037749). Different missense changes at the same codon (p.Arg552Gly, p.Arg552Met, p.Arg552Ser, p.Arg552Thr, p.Arg552Trp) have been reported as pathogenic/likely pathogenic with strong evidence (ClinVar ID: VCV000012871, VCV000012872, VCV000040681, VCV000040682, VCV000040684, VCV000372656 /PMID: 17143282, 17586837, 19352411, 21387466, 22465605 /3billion dataset). Therefore, this variant is classified as Pathogenic according to the recommendation of ACMG/AMP guideline.

Labcorp Genetics (formerly Invitae), Labcorp
Classification: Pathogenic for RASopathy. Last evaluated: 2025-02-23. Review status: criteria provided, single submitter. Criteria: Invitae Variant Classification Sherloc (09022015). Collection method: clinical testing. Allele origin: germline. Not counted in ClinVar's aggregate classification.
Comment: This sequence change replaces arginine, which is basic and polar, with lysine, which is basic and polar, at codon 552 of the SOS1 protein (p.Arg552Lys). This variant is not present in population databases (gnomAD no frequency). This missense change has been observed in individual(s) with Noonan syndrome (PMID: 26686981, 30266093). In at least one individual the variant was observed to be de novo. ClinVar contains an entry for this variant (Variation ID: 40683). Invitae Evidence Modeling of protein sequence and biophysical properties (such as structural, functional, and spatial information, amino acid conservation, physicochemical variation, residue mobility, and thermodynamic stability) has been performed for this missense variant. However, the output from this modeling did not meet the statistical confidence thresholds required to predict the impact of this variant on SOS1 protein function. This variant disrupts the p.Arg552 amino acid residue in SOS1. Other variant(s) that disrupt this residue have been determined to be pathogenic (PMID: 19020799, 21387466, 22190897, 24037001). This suggests that this residue is clinically significant, and that variants that disrupt this residue are likely to be disease-causing. For these reasons, this variant has been classified as Pathogenic.

Institute of Medical Genetics and Applied Genomics, University Hospital Tübingen
Classification: Pathogenic for Noonan syndrome 4. Last evaluated: 2024-07-09. Review status: criteria provided, single submitter. Criteria: ACMG Guidelines, 2015. Collection method: clinical testing. Allele origin: de novo. Inheritance: Autosomal dominant inheritance. Affected: yes. Not counted in ClinVar's aggregate classification.

Pittsburgh Clinical Genomics Laboratory, University of Pittsburgh Medical Center
Classification: Pathogenic for Noonan syndrome 4. Last evaluated: 2024-06-20. Review status: criteria provided, single submitter. Criteria: ACMG Guidelines, 2015. Collection method: clinical testing. Allele origin: germline. Inheritance: Autosomal dominant inheritance. Affected: yes. Not counted in ClinVar's aggregate classification.
Comment: This sequence variant is a single nucleotide substitution (G>A) at position 1655 of the coding sequence of the SOS1 gene that results in an arginine to lysine amino acid change at residue 552 of the SOS Ras/Rac guanine nucleotide exchange factor 1 protein. The 552 residue falls in the PH-Rem linker domain (PMID: 17143282) which plays a critical role in SOS Ras/Rac guanine nucleotide exchange factor 1's function. This is a previously reported variant (ClinVar 40683) that has been determined to be pathogenic by an expert panel (ClinGen RASopathy Variant Curation Expert Panel SCV000927028.1) and has been observed in individuals affected by RASopathy syndrome, Noonan syndrome, or intellectual disability (PMID: 38572385, 35390071, 33128510, 31573083, 17586837, 17143282, 30266093, 26686981, 22420426, 28378436, 29037749, 25337068, 21387466). This variant is present in 1 of 1613738 alleles (0.00006%) in the gnomAD v4.1.0 population dataset. Multiple bioinformatic tools predict that this arginine to lysine amino acid change would be damaging, and the Arg552 residue at this position is highly conserved across the vertebrate species examined. Studies examining the functional consequence of this variant show this variant may impact the protein function (PMID: 21784453). Based upon the evidence, we consider this variant to be pathogenic. ACMG Criteria: PM1, PM2, PP2, PP3, PS2, PS3, PS4

GeneDx
Classification: Pathogenic. Last evaluated: 2023-11-17. Review status: criteria provided, single submitter. Criteria: GeneDx Variant Classification Process June 2021. Collection method: clinical testing. Allele origin: germline. Affected: yes. Not counted in ClinVar's aggregate classification.
Comment: Not observed at significant frequency in large population cohorts (gnomAD); Missense variants in this gene are a common cause of disease and they are underrepresented in the general population; In silico analysis supports that this missense variant has a deleterious effect on protein structure/function; This variant is associated with the following publications: (PMID: 24803665, 30266093, 30417923, 26918529, 31219622, 31712860, 35390071, 34643321, 17143282, 17586837, 21387466, 26686981)

Blueprint Genetics
Classification: Pathogenic for SOS1-related disorders. Last evaluated: 2023-11-14. Review status: criteria provided, single submitter. Criteria: ACMG Guidelines, 2015. Collection method: clinical testing. Allele origin: germline. Affected: yes. Observed: 5 variant alleles. Not counted in ClinVar's aggregate classification.

NM_005633.4(SOS1):c.1655G>A (p.Arg552Lys)

Gene: SOS1 (SOS Ras/Rac guanine nucleotide exchange factor 1; minus strand). Cytogenetic location: 2p22.1.
Variant type: single nucleotide variant.
Coding change: c.1655G>A on transcript NM_005633.4 (MANE Select); coding-DNA position 1655, G replaced by A.
Protein change: p.Arg552Lys; replaces arginine 552 with lysine.
Molecular consequence: missense variant.
Genome position (GRCh38, 1-based): chr2:39,022,773, C>T on the plus strand (G>A on the coding strand, the complement: SOS1 is on the minus strand). VCF-style: chr2-39022773-C-T. GRCh37 (hg19) VCF-style: chr2-39249914-C-T.
Other names: p.R552K:AGG>AAG; NM_005633.3(SOS1):c.1655G>A; c.1634G>A, p.Arg545Lys (NM_001382394.1); c.1655G>A, p.Arg552Lys (NM_001382395.1); c.1655G>A (LRG_754t1); short protein forms R552K, R545K.
Identifiers: ClinVar variation 40683 (VCV000040683.46), dbSNP rs397517154, ClinGen allele CA261726.